The following is an entry in ClinVar:

ClinVar aggregate classification (germline): Uncertain significance (1 of 4 stars; one submission).

Conditions:
Inborn genetic diseases. Identifiers: MedGen C0950123, MeSH D030342.

Submission:

Ambry Genetics
Classification: Uncertain significance for Inborn genetic diseases. Last evaluated: 2025-07-29. Review status: criteria provided, single submitter. Criteria: Ambry Variant Classification Scheme 2023. Collection method: clinical testing. Allele origin: germline.
Comment: The p.Q920E variant (also known as c.2758C>G), located in coding exon 28 of the RTEL1 gene, results from a C to G substitution at nucleotide position 2758. The glutamine at codon 920 is replaced by glutamic acid, an amino acid with highly similar properties. This amino acid position is conserved. In addition, this alteration is predicted to be tolerated by in silico analysis. Based on the available evidence, the clinical significance of this variant remains unclear.

NM_001283009.2(RTEL1):c.2758C>G (p.Gln920Glu)

Genes: RTEL1 (regulator of telomere elongation helicase 1; plus strand), RTEL1-TNFRSF6B (RTEL1-TNFRSF6B readthrough (NMD candidate); plus strand). Cytogenetic location: 20q13.33.
Variant type: single nucleotide variant.
Coding change: c.2758C>G on transcript NM_001283009.2 (MANE Select); coding-DNA position 2758, C replaced by G.
Protein change: p.Gln920Glu; replaces glutamine 920 with glutamic acid.
Molecular consequence: missense variant. On other transcripts: non-coding transcript variant (1).
Genome position (GRCh38, 1-based): chr20:63,692,910, C>G. VCF-style: chr20-63692910-C-G. GRCh37 (hg19) VCF-style: chr20-62324263-C-G.
Other names: c.2089C>G, p.Gln697Glu (NM_001283010.1); c.2758C>G, p.Gln920Glu (NM_016434.4); c.2830C>G, p.Gln944Glu (NM_032957.5); short protein forms Q920E, Q697E, Q944E.
Identifiers: ClinVar variation 4157626 (VCV004157626.1).